The following is an entry in ClinVar:

NM_001378452.1(ITPR1):c.6639G>A (p.Met2213Ile)

Gene: ITPR1 (inositol 1,4,5-trisphosphate receptor type 1; plus strand). Cytogenetic location: 3p26.1.
Variant type: single nucleotide variant.
Coding change: c.6639G>A on transcript NM_001378452.1 (MANE Select); coding-DNA position 6639, G replaced by A.
Protein change: p.Met2213Ile; replaces methionine 2213 with isoleucine.
Molecular consequence: missense variant.
Genome position (GRCh38, 1-based): chr3:4,787,970, G>A. VCF-style: chr3-4787970-G-A. GRCh37 (hg19) VCF-style: chr3-4829654-G-A.
Other names: c.6495G>A, p.Met2165Ile (NM_001099952.4); c.6594G>A, p.Met2198Ile (NM_001168272.2); c.6450G>A, p.Met2150Ile (NM_002222.7); short protein forms M2150I, M2165I, M2198I, M2213I.
Identifiers: ClinVar variation 1700399 (VCV001700399.2), dbSNP rs2125405864, ClinGen allele CA351640470.

ClinVar aggregate classification (germline): Uncertain significance (1 of 4 stars; one submission).

Submission:

GeneDx
Classification: Uncertain significance. Last evaluated: 2022-02-06. Review status: criteria provided, single submitter. Criteria: GeneDx Variant Classification Process June 2021. Collection method: clinical testing. Allele origin: germline. Affected: yes.
Comment: Has not been previously published as pathogenic or benign to our knowledge; In-silico analysis is inconclusive as to whether the variant alters gene splicing. In the absence of RNA/functional studies, the actual effect of this sequence change is unknown.; In silico analysis supports that this missense variant has a deleterious effect on protein structure/function; Not observed at significant frequency in large population cohorts (gnomAD)